The following is an entry in ClinVar:

NM_153026.3(PRICKLE1):c.805G>A (p.Gly269Arg)

Genes: PRICKLE1 (prickle planar cell polarity protein 1; minus strand), LOC126861509 (BRD4-independent group 4 enhancer GRCh37_chr12:42858567-42859766; plus strand). Cytogenetic location: 12q12.
Variant type: single nucleotide variant.
Coding change: c.805G>A on transcript NM_153026.3 (MANE Select); coding-DNA position 805, G replaced by A.
Protein change: p.Gly269Arg; replaces glycine 269 with arginine.
Molecular consequence: missense variant.
Genome position (GRCh38, 1-based): chr12:42,465,229, C>T on the plus strand (G>A on the coding strand, the complement: PRICKLE1 is on the minus strand). VCF-style: chr12-42465229-C-T. GRCh37 (hg19) VCF-style: chr12-42859031-C-T.
Other names: c.805G>A, p.Gly269Arg (NM_001144881.2, NM_001144882.2, NM_001144883.2); short protein forms G269R.
Identifiers: ClinVar variation 844007 (VCV000844007.11), dbSNP rs376845777, ClinGen allele CA6519828.

ClinVar aggregate classification (germline): Uncertain significance. Review status: criteria provided, multiple submitters, no conflicts (2 of 4 stars). 2 submissions from 2 submitters: Uncertain significance (2). Last evaluated 2023-11-20.

Conditions:
Epilepsy, progressive myoclonic, 1B. Also called: PME. Identifiers: Orphanet 308, MedGen C2676254, MONDO:0012904, OMIM 612437.

Allele frequency attached by ClinVar (database versions not stated): ExAC 0.00002; gnomAD 0.00001; gnomAD exomes 0.00002 and 0.00007; ESP Exome Variant Server 0.00008; TOPMed 0.00003.
gnomAD v4.1: 101 of 1,613,798 alleles (0.0063%); highest among the groups gnomAD compares: Non-Finnish European, 0.0083%; no homozygotes.

Submissions (2):

Ambry Genetics
Classification: Uncertain significance. Last evaluated: 2023-11-20. Review status: criteria provided, single submitter. Criteria: Ambry Variant Classification Scheme 2023. Collection method: clinical testing. Allele origin: germline.

Labcorp Genetics (formerly Invitae), Labcorp
Classification: Uncertain significance for Epilepsy, progressive myoclonic, 1B. Last evaluated: 2023-05-08. Review status: criteria provided, single submitter. Criteria: Invitae Variant Classification Sherloc (09022015). Collection method: clinical testing. Allele origin: germline.
Comment: This sequence change replaces glycine, which is neutral and non-polar, with arginine, which is basic and polar, at codon 269 of the PRICKLE1 protein (p.Gly269Arg). This variant is present in population databases (rs376845777, gnomAD 0.005%). This variant has not been reported in the literature in individuals affected with PRICKLE1-related conditions. ClinVar contains an entry for this variant (Variation ID: 844007). Advanced modeling of protein sequence and biophysical properties (such as structural, functional, and spatial information, amino acid conservation, physicochemical variation, residue mobility, and thermodynamic stability) performed at Invitae indicates that this missense variant is expected to disrupt PRICKLE1 protein function. In summary, the available evidence is currently insufficient to determine the role of this variant in disease. Therefore, it has been classified as a Variant of Uncertain Significance.